The following is an entry in ClinVar:

NM_007175.8(ERLIN2):c.473C>T (p.Ser158Phe)

Gene: ERLIN2 (ER lipid raft associated 2; plus strand). Cytogenetic location: 8p11.23.
Variant type: single nucleotide variant.
Coding change: c.473C>T on transcript NM_007175.8 (MANE Select); coding-DNA position 473, C replaced by T.
Protein change: p.Ser158Phe; replaces serine 158 with phenylalanine.
Molecular consequence: missense variant.
Genome position (GRCh38, 1-based): chr8:37,749,607, C>T. VCF-style: chr8-37749607-C-T. GRCh37 (hg19) VCF-style: chr8-37607125-C-T.
Other names: c.473C>T, p.Ser158Phe (NM_001362878.2); c.473C>T (NM_007175.6); short protein forms S158F.
Identifiers: ClinVar variation 2981922 (VCV002981922.4), dbSNP rs1256888271, ClinGen allele CA370658418.

ClinVar aggregate classification (germline): Uncertain significance. Review status: criteria provided, multiple submitters, no conflicts (2 of 4 stars). 2 submissions from 2 submitters: Uncertain significance (2). Last evaluated 2025-09-28.

Conditions:
Spastic paraplegia. Identifiers: MedGen C0037772, HP:0001258.
Inborn genetic diseases. Identifiers: MedGen C0950123, MeSH D030342.

Allele frequency attached by ClinVar (database versions not stated): gnomAD exomes below 0.00001; TOPMed 0.00001.

Submissions (2):

Ambry Genetics
Classification: Uncertain significance for Inborn genetic diseases. Last evaluated: 2025-09-28. Review status: criteria provided, single submitter. Criteria: Ambry Variant Classification Scheme 2023. Collection method: clinical testing. Allele origin: germline.

Labcorp Genetics (formerly Invitae), Labcorp
Classification: Uncertain significance for Spastic paraplegia. Last evaluated: 2024-10-26. Review status: criteria provided, single submitter. Criteria: Invitae Variant Classification Sherloc (09022015). Collection method: clinical testing. Allele origin: germline.
Comment: This sequence change replaces serine, which is neutral and polar, with phenylalanine, which is neutral and non-polar, at codon 158 of the ERLIN2 protein (p.Ser158Phe). This variant is not present in population databases (gnomAD no frequency). This variant has not been reported in the literature in individuals affected with ERLIN2-related conditions. Invitae Evidence Modeling of protein sequence and biophysical properties (such as structural, functional, and spatial information, amino acid conservation, physicochemical variation, residue mobility, and thermodynamic stability) indicates that this missense variant is not expected to disrupt ERLIN2 protein function with a negative predictive value of 80%. In summary, the available evidence is currently insufficient to determine the role of this variant in disease. Therefore, it has been classified as a Variant of Uncertain Significance.